The following is an entry in ClinVar:

ClinVar aggregate classification (germline): Uncertain significance (1 of 4 stars; one submission).

Conditions:
Hereditary cancer-predisposing syndrome. Also called: Hereditary Cancer Syndrome; Hereditary neoplastic syndrome; Tumor predisposition; Neoplastic Syndromes, Hereditary. Identifiers: Orphanet 140162, MedGen C0027672, MeSH D009386, MONDO:0015356.

Submission:

Ambry Genetics
Classification: Uncertain significance for Hereditary cancer-predisposing syndrome. Last evaluated: 2021-06-11. Review status: criteria provided, single submitter. Criteria: Ambry Variant Classification Scheme 2023. Collection method: clinical testing. Allele origin: germline.
Comment: The p.R764G variant (also known as c.2290A>G), located in coding exon 14 of the PMS2 gene, results from an A to G substitution at nucleotide position 2290. The arginine at codon 764 is replaced by glycine, an amino acid with dissimilar properties. This amino acid position is highly conserved in available vertebrate species. In addition, this alteration is predicted to be deleterious by in silico analysis. Since supporting evidence is limited at this time, the clinical significance of this alteration remains unclear.

NM_000535.7(PMS2):c.2290A>G (p.Arg764Gly)

Gene: PMS2 (PMS1 homolog 2, mismatch repair system component; minus strand). Cytogenetic location: 7p22.1.
Variant type: single nucleotide variant.
Coding change: c.2290A>G on transcript NM_000535.7 (MANE Select); coding-DNA position 2290, A replaced by G.
Protein change: p.Arg764Gly; replaces arginine 764 with glycine.
Molecular consequence: missense variant.
Genome position (GRCh38, 1-based): chr7:5,977,743, T>C on the plus strand (A>G on the coding strand, the complement: PMS2 is on the minus strand). VCF-style: chr7-5977743-T-C. GRCh37 (hg19) VCF-style: chr7-6017374-T-C.
Other names: c.1885A>G, p.Arg629Gly (NM_001018040.1, NM_001322003.2, NM_001322004.2 and 12 more transcripts); c.2134A>G, p.Arg712Gly (NM_001322006.2); c.1972A>G, p.Arg658Gly (NM_001322007.2, NM_001322008.2, NM_001406883.1); c.1918A>G, p.Arg640Gly (NM_001322009.2, NM_001406887.1, NM_001406888.1); c.1729A>G, p.Arg577Gly (NM_001322010.2, NM_001406906.1, NM_001406907.1); c.1357A>G, p.Arg453Gly (NM_001322011.2, NM_001322012.2); c.1717A>G, p.Arg573Gly (NM_001322013.2, NM_001406908.1, NM_001406909.1); c.2323A>G, p.Arg775Gly (NM_001322014.2); and 18 more; short protein forms R453G, R573G, R602G, R609G, R656G, R708G, R764G, R593G.
Identifiers: ClinVar variation 1789098 (VCV001789098.2), dbSNP rs1583281538, ClinGen allele CA366736135.
Genomic context (GRCh38, chr7:5,977,743, plus strand): 5'-CGACGTCCTGGGGTCCGAAGGTCCAGTTTTTACTAGTTGGCAAGGAAATCAGTTTAGCCC[T>C]TTCAGTGACTGGAGCTAAAAGAATACAATTTTGAGAAAAATCCATGACTTGACAAACACG-3'
Protein context (NP_000526.2, residues 754-774): VIDENAPVTE[Arg764Gly]AKLISLPTSK